The following is an entry in ClinVar:

NM_005262.3(GFER):c.335C>T (p.Thr112Ile)

Gene: GFER (growth factor, augmenter of liver regeneration; plus strand). Cytogenetic location: 16p13.3.
Variant type: single nucleotide variant.
Coding change: c.335C>T on transcript NM_005262.3 (MANE Select); coding-DNA position 335, C replaced by T.
Protein change: p.Thr112Ile; replaces threonine 112 with isoleucine.
Molecular consequence: missense variant.
Genome position (GRCh38, 1-based): chr16:1,984,823, C>T. VCF-style: chr16-1984823-C-T. GRCh37 (hg19) VCF-style: chr16-2034824-C-T.
Other names: short protein forms T112I.
Identifiers: ClinVar variation 2159200 (VCV002159200.1), dbSNP rs368889722, ClinGen allele CA276773103.

ClinVar aggregate classification (germline): Uncertain significance (1 of 4 stars; one submission).

Allele frequency attached by ClinVar (database versions not stated): gnomAD exomes 0.00001; gnomAD 0.00007; TOPMed 0.00008.
gnomAD v4.1: 21 of 1,613,330 alleles (0.0013%); highest among the groups gnomAD compares: Admixed American, 0.025%; no homozygotes.

Submission:

Labcorp Genetics (formerly Invitae), Labcorp
Classification: Uncertain significance. Last evaluated: 2022-08-21. Review status: criteria provided, single submitter. Criteria: Invitae Variant Classification Sherloc (09022015). Collection method: clinical testing. Allele origin: germline.
Comment: This sequence change replaces threonine, which is neutral and polar, with isoleucine, which is neutral and non-polar, at codon 112 of the GFER protein (p.Thr112Ile). This variant is present in population databases (no rsID available, gnomAD 0.006%). This variant has not been reported in the literature in individuals affected with GFER-related conditions. Algorithms developed to predict the effect of missense changes on protein structure and function are either unavailable or do not agree on the potential impact of this missense change (SIFT: "Deleterious"; PolyPhen-2: "Probably Damaging"; Align-GVGD: "Class C15"). In summary, the available evidence is currently insufficient to determine the role of this variant in disease. Therefore, it has been classified as a Variant of Uncertain Significance.